The following is an entry in ClinVar:

NM_000817.3(GAD1):c.1251C>T (p.Leu417=)

Gene: GAD1 (glutamate decarboxylase 1; plus strand). Cytogenetic location: 2q31.1.
Variant type: single nucleotide variant.
Coding change: c.1251C>T on transcript NM_000817.3 (MANE Select); coding-DNA position 1251, C replaced by T.
Protein change: p.Leu417=; no amino-acid change (leucine 417 retained).
Molecular consequence: synonymous variant.
Genome position (GRCh38, 1-based): chr2:170,852,780, C>T. VCF-style: chr2-170852780-C-T. GRCh37 (hg19) VCF-style: chr2-171709290-C-T.
Identifiers: ClinVar variation 332236 (VCV000332236.38), dbSNP rs35426017, ClinGen allele CA1962910.

ClinVar aggregate classification (germline): Conflicting classifications of pathogenicity. Review status: criteria provided, conflicting classifications (1 of 4 stars). 4 submissions from 4 submitters: Uncertain significance (1); Likely benign (3). Last evaluated 2025-10-01.

Conditions:
Neurodevelopmental disorder with progressive spasticity and brain white matter abnormalities. Also called: CEREBRAL PALSY, SPASTIC QUADRIPLEGIC, 1. Identifiers: Orphanet 210141, Orphanet 641353, MedGen C5436628, MONDO:0033613, OMIM 619026.

Allele frequency attached by ClinVar (database versions not stated): gnomAD exomes 0.00038 and 0.00054; ExAC 0.00060; gnomAD 0.00094 and 0.00095; 1000 Genomes Project 30x 0.00125; 1000 Genomes Project 0.00140; TOPMed 0.00143.
gnomAD v4.1: 760 of 1,614,078 alleles (0.047%); highest among the groups gnomAD compares: Middle Eastern, 0.46%; 3 homozygotes.

Submissions (4):

CeGaT Center for Human Genetics Tuebingen
Classification: Likely benign. Last evaluated: 2025-10-01. Review status: criteria provided, single submitter. Criteria: CeGaT Center For Human Genetics Tuebingen Variant Classification Criteria Version 2. Collection method: clinical testing. Allele origin: germline. Affected: yes. Observed: 11 variant alleles.
Comment: GAD1: BP4, BP7

Blueprint Genetics
Classification: Likely benign. Last evaluated: 2024-10-21. Review status: criteria provided, single submitter. Criteria: ACMG Guidelines, 2015. Collection method: clinical testing. Allele origin: germline.

Labcorp Genetics (formerly Invitae), Labcorp
Classification: Likely benign for Neurodevelopmental disorder with progressive spasticity and brain white matter abnormalities. Last evaluated: 2024-03-14. Review status: criteria provided, single submitter. Criteria: Invitae Variant Classification Sherloc (09022015). Collection method: clinical testing. Allele origin: germline.

Illumina Laboratory Services, Illumina
Classification: Uncertain significance. Last evaluated: 2018-01-13. Review status: criteria provided, single submitter. Criteria: ICSL Variant Classification Criteria 13 December 2019. Collection method: clinical testing. Allele origin: germline.